The following is an entry in ClinVar:

ClinVar aggregate classification (germline): Pathogenic. Review status: reviewed by expert panel (3 of 4 stars). 5 submissions from 5 submitters: Pathogenic (1). 4 of the submissions do not count toward it. Last evaluated 2026-03-24.

Conditions:
ABCA4-related disorder. Also called: ABCA4-related disorders; ABCA4-related condition. Identifiers: MedGen CN239167.
Cone-rod dystrophy 3 (CORD3). Identifiers: Orphanet 1872, MedGen C1858806, MONDO:0011395, OMIM 604116.
Severe early-childhood-onset retinal dystrophy (STGD1). Also called: MACULAR DYSTROPHY WITH FLECKS, TYPE 1; STGD; Stargardt macular dystrophy; Juvenile onset macular degeneration; Stargardt disease 1. Identifiers: Orphanet 364055, Orphanet 827, MedGen C1855465, MeSH D000080362, MONDO:0009549, OMIM 248200.
Retinitis pigmentosa 19 (RP19). Also called: ABCA4-Related Retinitis Pigmentosa. Identifiers: Orphanet 791, MedGen C1866422, MONDO:0011137, OMIM 601718.
Age related macular degeneration 2. Also called: MACULOPATHY, AGE-RELATED; MACULAR DEGENERATION, SENILE; MACULOPATHY, AGE-RELATED, 2. Identifiers: MedGen C3495438, MONDO:0007932, OMIM 153800.
ABCA4-related retinopathy. Also called: ABCA4 retinoapthy; ABCA4-related retinoapthy. Identifiers: MedGen CN322612, MONDO:0800406.

gnomAD v4.1: 1 of 1,614,146 alleles (0.000062%); no homozygotes.

Submissions (5):

ClinGen ABCA4 Variant Curation Expert Panel, Clingen
Classification: Pathogenic for ABCA4-related retinopathy. Last evaluated: 2026-03-24. Review status: reviewed by expert panel. Criteria: ClinGen ABCA4 ACMG Specifications V1.0.0. Collection method: curation. Allele origin: germline. Inheritance: Autosomal recessive inheritance.
Comment: The NM_000350.3(ABCA4):c.2424C>G; p.Tyr808Ter variant in ABC4A is a nonsense variant predicted to cause a premature stop codon in biologically relevant exon 16 of 50 leading to nonsense mediated decay in a gene in which loss-of-function is an established disease mechanism (PVS1). Minor allele frequency in gnomAD v4.1.0 is 0.00000061952 (1/1614146 alleles), which is lower than the ClinGen ABCA4 VCEP’s threshold for PM2_Supporting (<0.0001). The prevalence of the variant in affected individuals is significantly increased compared with the prevalence in controls with an OR of infinity and CI of 110.57 to Infinity, which is above the ABCA4 VCEP threshold of ≥5 where the CI does not contain 1 (PS4; PMID: 35120629). In summary, this variant meets the criteria to be classified as pathogenic for ABCA4-related retinopathy based on the ACMG/AMP criteria applied, as specified by the ClinGen ABCA4 VCEP Specification Version 1.0.0: PVS1, PS4, PM2_Supporting.

Fulgent Genetics
Classification: Pathogenic for Age related macular degeneration 2; Severe early-childhood-onset retinal dystrophy; Retinitis pigmentosa 19; Cone-rod dystrophy 3. Last evaluated: 2024-02-22. Review status: criteria provided, single submitter. Criteria: ACMG Guidelines, 2015. Collection method: clinical testing. Allele origin: germline. Not counted in ClinVar's aggregate classification.

Labcorp Genetics (formerly Invitae), Labcorp
Classification: Pathogenic. Last evaluated: 2023-10-26. Review status: criteria provided, single submitter. Criteria: Invitae Variant Classification Sherloc (09022015). Collection method: clinical testing. Allele origin: germline. Not counted in ClinVar's aggregate classification.
Comment: This sequence change creates a premature translational stop signal (p.Tyr808*) in the ABCA4 gene. It is expected to result in an absent or disrupted protein product. Loss-of-function variants in ABCA4 are known to be pathogenic (PMID: 10958761, 24938718, 25312043, 26780318). This variant is not present in population databases (gnomAD no frequency). This premature translational stop signal has been observed in individual(s) with Stargardt disease (PMID: 24632595, 32845068, 33301772). It has also been observed to segregate with disease in related individuals. For these reasons, this variant has been classified as Pathogenic.

Blueprint Genetics
Classification: Pathogenic for ABCA4-related disorders. Last evaluated: 2022-07-01. Review status: criteria provided, single submitter. Criteria: ACMG Guidelines, 2015. Collection method: clinical testing. Allele origin: germline. Affected: yes. Observed: 3 variant alleles. Not counted in ClinVar's aggregate classification.

Wuhan Primbio Medical Laboratory
Classification: Pathogenic for Severe early-childhood-onset retinal dystrophy. Last evaluated: 2023-11-10. Review status: no assertion criteria provided. Collection method: clinical testing. Allele origin: maternal. Affected: yes. Observed: 1 variant allele. Not counted in ClinVar's aggregate classification.
Comment: This sequence change creates a premature translational stop signal (p.Tyr808Ter) in the ABCA4 gene. It is expected to result in an absent or disrupted protein product. Loss-of-function variants in ABCA4 are known to be pathogenic (PMID: 10958761, 24938718, 25312043, 26780318). This variant is not present in population databases (gnomAD no frequency). This variant has been reported in the literature in individuals affected with ABCA4-related conditions (PMID: 26780318;PMID: 35410501;PMID: 33988224). For these reasons, this variant has been classified as Pathogenic.

Literature cited by the submitters: PubMed 10958761 (cited by Labcorp Genetics (formerly Invitae), Labcorp); PubMed 24938718 (cited by Labcorp Genetics (formerly Invitae), Labcorp); PubMed 25312043 (cited by Labcorp Genetics (formerly Invitae), Labcorp); PubMed 26780318 (cited by Labcorp Genetics (formerly Invitae), Labcorp); PubMed 24632595 (cited by Labcorp Genetics (formerly Invitae), Labcorp); PubMed 32845068 (cited by Labcorp Genetics (formerly Invitae), Labcorp); PubMed 33301772 (cited by Labcorp Genetics (formerly Invitae), Labcorp).

NM_000350.3(ABCA4):c.2424C>G (p.Tyr808Ter)

Gene: ABCA4 (ATP binding cassette subfamily A member 4; minus strand). Cytogenetic location: 1p22.1.
Variant type: single nucleotide variant.
Coding change: c.2424C>G on transcript NM_000350.3 (MANE Select); coding-DNA position 2424, C replaced by G.
Protein change: p.Tyr808Ter; replaces tyrosine 808 with a stop codon.
Molecular consequence: nonsense.
Genome position (GRCh38, 1-based): chr1:94,055,274, G>C on the plus strand (C>G on the coding strand, the complement: ABCA4 is on the minus strand). VCF-style: chr1-94055274-G-C. GRCh37 (hg19) VCF-style: chr1-94520830-G-C.
Other names: c.2424C>G (NM_000350.2); c.2202C>G, p.Tyr734Ter (NM_001425324.1); short protein forms Y734*, Y808*.
Identifiers: ClinVar variation 2664262 (VCV002664262.8), dbSNP rs1660944269, ClinGen allele CA341277115.